The following is an entry in ClinVar:

ClinVar aggregate classification (germline): Uncertain significance. Review status: criteria provided, multiple submitters, no conflicts (2 of 4 stars). 2 submissions from 2 submitters: Uncertain significance (2). Last evaluated 2023-08-13.

Conditions:
Breast-ovarian cancer, familial, susceptibility to, 4. Identifiers: Orphanet 145, MedGen C3280345, MONDO:0013669, OMIM 614291.
Hereditary cancer-predisposing syndrome. Also called: Hereditary Cancer Syndrome; Neoplastic Syndromes, Hereditary; Tumor predisposition; Hereditary neoplastic syndrome. Identifiers: Orphanet 140162, MedGen C0027672, MeSH D009386, MONDO:0015356.

gnomAD v4.1: 1 of 1,612,580 alleles (0.000062%); highest among the groups gnomAD compares: Admixed American, 0.0017%; no homozygotes.

Submissions (2):

Ambry Genetics
Classification: Uncertain significance for Hereditary cancer-predisposing syndrome. Last evaluated: 2023-08-13. Review status: criteria provided, single submitter. Criteria: Ambry Variant Classification Scheme 2023. Collection method: clinical testing. Allele origin: germline.
Comment: The p.G11C variant (also known as c.31G>T), located in coding exon 1 of the RAD51D gene, results from a G to T substitution at nucleotide position 31. The glycine at codon 11 is replaced by cysteine, an amino acid with highly dissimilar properties. This amino acid position is highly conserved in available vertebrate species. In addition, the in silico prediction for this alteration is inconclusive. Since supporting evidence is limited at this time, the clinical significance of this alteration remains unclear.

Labcorp Genetics (formerly Invitae), Labcorp
Classification: Uncertain significance for Breast-ovarian cancer, familial, susceptibility to, 4. Last evaluated: 2023-01-08. Review status: criteria provided, single submitter. Criteria: Invitae Variant Classification Sherloc (09022015). Collection method: clinical testing. Allele origin: germline.
Comment: In summary, the available evidence is currently insufficient to determine the role of this variant in disease. Therefore, it has been classified as a Variant of Uncertain Significance. Algorithms developed to predict the effect of missense changes on protein structure and function (SIFT, PolyPhen-2, Align-GVGD) all suggest that this variant is likely to be disruptive. ClinVar contains an entry for this variant (Variation ID: 480535). This variant has not been reported in the literature in individuals affected with RAD51D-related conditions. This variant is not present in population databases (gnomAD no frequency). This sequence change replaces glycine, which is neutral and non-polar, with cysteine, which is neutral and slightly polar, at codon 11 of the RAD51D protein (p.Gly11Cys).

NM_002878.4(RAD51D):c.31G>T (p.Gly11Cys)

Genes: RAD51L3-RFFL (RAD51L3-RFFL readthrough; minus strand), RAD51D (RAD51 paralog D; minus strand). Cytogenetic location: 17q12.
Variant type: single nucleotide variant.
Coding change: c.31G>T on transcript NM_002878.4 (MANE Select); coding-DNA position 31, G replaced by T.
Protein change: p.Gly11Cys; replaces glycine 11 with cysteine.
Molecular consequence: missense variant. On other transcripts: non-coding transcript variant (2).
Genome position (GRCh38, 1-based): chr17:35,119,583, C>A on the plus strand (G>T on the coding strand, the complement: RAD51D is on the minus strand). VCF-style: chr17-35119583-C-A. GRCh37 (hg19) VCF-style: chr17-33446602-C-A.
Other names: c.31G>T, p.Gly11Cys (NM_001142571.2, NM_133629.3); short protein forms G11C.
Identifiers: ClinVar variation 480535 (VCV000480535.12), dbSNP rs776471760, ClinGen allele CA399092508.
Genomic context (GRCh38, chr17:35,119,583, plus strand): 5'-CCCGGTCACCTGTCTTGATCCTGTGGCTCCTGAGAAGCTGGATCATCTCCTCGGTAAGGC[C>A]AGGGCACAGTCCGACCCTGAGCACGCCCATGTTCCCCGCAGGCCGGAACAGCCCCAGGGG-3'
Protein context (NP_002869.3, residues 1-21): MGVLRVGLCP[Gly11Cys]LTEEMIQLLR